The following is an entry in ClinVar:

NM_033337.3(CAV3):c.400G>C (p.Ala134Pro)

Genes: CAV3 (caveolin 3; plus strand), OXTR (oxytocin receptor; minus strand). Cytogenetic location: 3p25.3.
Variant type: single nucleotide variant.
Coding change: c.400G>C on transcript NM_033337.3 (MANE Select); coding-DNA position 400, G replaced by C.
Protein change: p.Ala134Pro; replaces alanine 134 with proline.
Molecular consequence: missense variant.
Genome position (GRCh38, 1-based): chr3:8,745,811, G>C. VCF-style: chr3-8745811-G-C. GRCh37 (hg19) VCF-style: chr3-8787497-G-C.
Other names: c.400G>C, p.Ala134Pro (NM_001234.5); short protein forms A134P.
Identifiers: ClinVar variation 2506073 (VCV002506073.6), dbSNP rs773309037, ClinGen allele CA2236362.
Genomic context (GRCh38, chr3:8,745,811, plus strand): 5'-ATCCAGTGCATCAGCCACATCTACTCACTCTGCATCCGCACCTTCTGCAACCCACTCTTC[G>C]CGGCCCTGGGCCAGGTCTGCAGCAGCATCAAGGTGGTGCTGCGGAAGGAGGTCTAAAGCC-3'
Protein context (NP_203123.1, residues 124-144): CIRTFCNPLF[Ala134Pro]ALGQVCSSIK

ClinVar aggregate classification (germline): Uncertain significance. Review status: criteria provided, multiple submitters, no conflicts (2 of 4 stars). 3 submissions from 3 submitters: Uncertain significance (3). Last evaluated 2025-06-15.

Conditions:
Cardiovascular phenotype. Identifiers: MedGen CN230736.
Long QT syndrome (LQTS). Identifiers: MedGen C0023976, MeSH D008133, MONDO:0002442. Disease mechanism: loss of function. Inheritance: Various modes of inheritance.

gnomAD v4.1: 9 of 1,613,666 alleles (0.00056%); highest among the groups gnomAD compares: East Asian, 0.02%; no homozygotes.

Submissions (3):

Ambry Genetics
Classification: Uncertain significance for Cardiovascular phenotype. Last evaluated: 2025-06-15. Review status: criteria provided, single submitter. Criteria: Ambry Variant Classification Scheme 2023. Collection method: clinical testing. Allele origin: germline.
Comment: The p.A134P variant (also known as c.400G>C), located in coding exon 2 of the CAV3 gene, results from a G to C substitution at nucleotide position 400. The alanine at codon 134 is replaced by proline, an amino acid with highly similar properties. This amino acid position is conserved. In addition, this alteration is predicted to be deleterious by in silico analysis. Since supporting evidence is limited at this time, the clinical significance of this alteration remains unclear.

Labcorp Genetics (formerly Invitae), Labcorp
Classification: Uncertain significance for Long QT syndrome. Last evaluated: 2024-10-30. Review status: criteria provided, single submitter. Criteria: Invitae Variant Classification Sherloc (09022015). Collection method: clinical testing. Allele origin: germline.
Comment: This sequence change replaces alanine, which is neutral and non-polar, with proline, which is neutral and non-polar, at codon 134 of the CAV3 protein (p.Ala134Pro). This variant is present in population databases (rs773309037, gnomAD 0.03%). This variant has not been reported in the literature in individuals affected with CAV3-related conditions. ClinVar contains an entry for this variant (Variation ID: 2506073). An algorithm developed to predict the effect of missense changes on protein structure and function (PolyPhen-2) suggests that this variant¬†is likely to be tolerated. In summary, the available evidence is currently insufficient to determine the role of this variant in disease. Therefore, it has been classified as a Variant of Uncertain Significance.

Women's Health and Genetics/Laboratory Corporation of America, LabCorp
Classification: Uncertain significance. Last evaluated: 2023-05-01. Review status: criteria provided, single submitter. Criteria: LabCorp Variant Classification Summary - May 2015. Collection method: clinical testing. Allele origin: germline.
Comment: Variant summary: CAV3 c.400G>C (p.Ala134Pro) results in a non-conservative amino acid change in the encoded protein sequence. Four of five in-silico tools predict a damaging effect of the variant on protein function. The variant allele was found at a frequency of 3.2e-05 in 250944 control chromosomes (gnomAD). The available data on variant occurrences in the general population are insufficient to allow any conclusion about variant significance. To our knowledge, no occurrence of c.400G>C in individuals affected with Hypertrophic Cardiomyopathy and no experimental evidence demonstrating its impact on protein function have been reported. No clinical diagnostic laboratories have submitted clinical-significance assessments for this variant to ClinVar after 2014. Based on the evidence outlined above, the variant was classified as uncertain significance.